The following is an entry in ClinVar:

NM_000426.4(LAMA2):c.4999G>A (p.Asp1667Asn)

Gene: LAMA2 (laminin subunit alpha 2; plus strand). Cytogenetic location: 6q22.33.
Variant type: single nucleotide variant.
Coding change: c.4999G>A on transcript NM_000426.4 (MANE Select); coding-DNA position 4999, G replaced by A.
Protein change: p.Asp1667Asn; replaces aspartic acid 1667 with asparagine.
Molecular consequence: missense variant.
Genome position (GRCh38, 1-based): chr6:129,383,161, G>A. VCF-style: chr6-129383161-G-A. GRCh37 (hg19) VCF-style: chr6-129704306-G-A.
Other names: c.4999G>A, p.Asp1667Asn (NM_001079823.2); short protein forms D1667N.
Identifiers: ClinVar variation 2114836 (VCV002114836.4), dbSNP rs2482690579, ClinGen allele CA365628585.
Genomic context (GRCh38, chr6:129,383,161, plus strand): 5'-TTCCCGAATTTGGATCATTAGGCTACCAAAGTGACAGCAGATGGCGAGCAGACCGGACAG[G>A]ATGCTGAGAGGACCAACACAAGAGCAAAGTCCCTGGGAGAATTCATTAAGGAGCTTGCCC-3'
Protein context (NP_000417.3, residues 1657-1677): VTADGEQTGQ[Asp1667Asn]AERTNTRAKS

ClinVar aggregate classification (germline): Uncertain significance (1 of 4 stars; one submission).

Conditions:
LAMA2-related muscular dystrophy (LAMA2-RD). Also called: Laminin alpha 2-related dystrophy. Identifiers: MedGen C5679788, MONDO:0100228.

Submission:

Labcorp Genetics (formerly Invitae), Labcorp
Classification: Uncertain significance for LAMA2-related muscular dystrophy. Last evaluated: 2022-09-07. Review status: criteria provided, single submitter. Criteria: Invitae Variant Classification Sherloc (09022015). Collection method: clinical testing. Allele origin: germline.
Comment: This sequence change replaces aspartic acid, which is acidic and polar, with asparagine, which is neutral and polar, at codon 1667 of the LAMA2 protein (p.Asp1667Asn). This variant is not present in population databases (gnomAD no frequency). This variant has not been reported in the literature in individuals affected with LAMA2-related conditions. Advanced modeling of protein sequence and biophysical properties (such as structural, functional, and spatial information, amino acid conservation, physicochemical variation, residue mobility, and thermodynamic stability) performed at Invitae indicates that this missense variant is not expected to disrupt LAMA2 protein function. In summary, the available evidence is currently insufficient to determine the role of this variant in disease. Therefore, it has been classified as a Variant of Uncertain Significance.